The following is an entry in ClinVar:

ClinVar aggregate classification (germline): Conflicting classifications of pathogenicity. Review status: criteria provided, conflicting classifications (1 of 4 stars). 2 submissions from 2 submitters: Uncertain significance (1); Likely benign (1). Last evaluated 2026-05-18.

Conditions:
Hereditary cancer-predisposing syndrome. Also called: Neoplastic Syndromes, Hereditary; Tumor predisposition; Hereditary Cancer Syndrome; Hereditary neoplastic syndrome. Identifiers: Orphanet 140162, MedGen C0027672, MeSH D009386, MONDO:0015356.
Chuvash polycythemia. Also called: POLYCYTHEMIA, VHL-DEPENDENT. Identifiers: Orphanet 238557, MedGen C1837915, MONDO:0009892, OMIM 263400.
Von Hippel-Lindau syndrome (VHLS). Also called: von Hippel–Lindau syndrome; VHL syndrome; Von Hippel-Lindau. Identifiers: Orphanet 892, MedGen C0019562, MONDO:0008667, OMIM 193300. Disease mechanism: loss of function.

Submissions (2):

Ambry Genetics
Classification: Likely benign for Hereditary cancer-predisposing syndrome. Last evaluated: 2026-05-18. Review status: criteria provided, single submitter. Criteria: Ambry Variant Classification Scheme 2023. Collection method: clinical testing. Allele origin: germline.

Labcorp Genetics (formerly Invitae), Labcorp
Classification: Uncertain significance for Von Hippel-Lindau syndrome; Chuvash polycythemia. Last evaluated: 2023-10-26. Review status: criteria provided, single submitter. Criteria: Invitae Variant Classification Sherloc (09022015). Collection method: clinical testing. Allele origin: germline.
Comment: This sequence change replaces glutamic acid, which is acidic and polar, with aspartic acid, which is acidic and polar, at codon 94 of the VHL protein (p.Glu94Asp). This variant is not present in population databases (gnomAD no frequency). This variant has not been reported in the literature in individuals affected with VHL-related conditions. ClinVar contains an entry for this variant (Variation ID: 1796579). Advanced modeling of protein sequence and biophysical properties (such as structural, functional, and spatial information, amino acid conservation, physicochemical variation, residue mobility, and thermodynamic stability) has been performed at Invitae for this missense variant, however the output from this modeling did not meet the statistical confidence thresholds required to predict the impact of this variant on VHL protein function. In summary, the available evidence is currently insufficient to determine the role of this variant in disease. Therefore, it has been classified as a Variant of Uncertain Significance.

Literature cited by the submitters: PubMed 38969834 (cited by Ambry Genetics).

NM_000551.4(VHL):c.282G>T (p.Glu94Asp)

Gene: VHL (von Hippel-Lindau tumor suppressor; plus strand). Cytogenetic location: 3p25.3.
Variant type: single nucleotide variant.
Coding change: c.282G>T on transcript NM_000551.4 (MANE Select); coding-DNA position 282, G replaced by T.
Protein change: p.Glu94Asp; replaces glutamic acid 94 with aspartic acid.
Molecular consequence: missense variant.
Genome position (GRCh38, 1-based): chr3:10,142,129, G>T. VCF-style: chr3-10142129-G-T. GRCh37 (hg19) VCF-style: chr3-10183813-G-T.
Other names: c.282G>T, p.Glu94Asp (NM_001354723.2, NM_198156.3); short protein forms E94D.
Identifiers: ClinVar variation 1796579 (VCV001796579.6), dbSNP rs1399167911, ClinGen allele CA351750798.